The following is an entry in ClinVar:

NM_004655.4(AXIN2):c.1258C>G (p.Gln420Glu)

Gene: AXIN2 (axin 2; minus strand). Cytogenetic location: 17q24.1.
Variant type: single nucleotide variant.
Coding change: c.1258C>G on transcript NM_004655.4 (MANE Select); coding-DNA position 1258, C replaced by G.
Protein change: p.Gln420Glu; replaces glutamine 420 with glutamic acid.
Molecular consequence: missense variant.
Genome position (GRCh38, 1-based): chr17:65,537,778, G>C on the plus strand (C>G on the coding strand, the complement: AXIN2 is on the minus strand). VCF-style: chr17-65537778-G-C. GRCh37 (hg19) VCF-style: chr17-63533896-G-C.
Other names: c.1258C>G, p.Gln420Glu (NM_001363813.1); c.1258C>G (LRG_296t1); short protein forms Q420E.
Identifiers: ClinVar variation 533208 (VCV000533208.12), dbSNP rs1555578074, ClinGen allele CA400677864.
Genomic context (GRCh38, chr17:65,537,778, plus strand): 5'-CCAGTATCGTCTGCGGGTCTTCCTCGTAGCTGCCGGAGGGCAGTAGGGAGAGGGGGTGCT[G>C]CGTGGGCGCCCCCTCCCGCGAATTGAGTGTGAGCTCGGAGCCCTCTCTCTCTTCATCCTG-3'
Protein context (NP_004646.3, residues 410-430): TLNSREGAPT[Gln420Glu]HPLSLLPSGS

ClinVar aggregate classification (germline): Uncertain significance. Review status: criteria provided, multiple submitters, no conflicts (2 of 4 stars). 2 submissions from 2 submitters: Uncertain significance (2). Last evaluated 2025-11-21.

Conditions:
Hereditary cancer-predisposing syndrome. Also called: Hereditary neoplastic syndrome; Neoplastic Syndromes, Hereditary; Tumor predisposition; Hereditary Cancer Syndrome. Identifiers: Orphanet 140162, MedGen C0027672, MeSH D009386, MONDO:0015356.
Oligodontia-cancer predisposition syndrome. Also called: TOOTH AGENESIS-COLORECTAL CANCER SYNDROME. Identifiers: Orphanet 300576, MedGen C1837750, MONDO:0012075, OMIM 608615. Disease mechanism: loss of function.

Submissions (2):

Ambry Genetics
Classification: Uncertain significance for Hereditary cancer-predisposing syndrome. Last evaluated: 2025-11-21. Review status: criteria provided, single submitter. Criteria: Ambry Variant Classification Scheme 2023. Collection method: clinical testing. Allele origin: germline.
Comment: The p.Q420E variant (also known as c.1258C>G), located in coding exon 5 of the AXIN2 gene, results from a C to G substitution at nucleotide position 1258. The glutamine at codon 420 is replaced by glutamic acid, an amino acid with highly similar properties. This amino acid position is not well conserved in available vertebrate species. In addition, this alteration is predicted to be tolerated by in silico analysis. Based on the available evidence, the clinical significance of this variant remains unclear.

Labcorp Genetics (formerly Invitae), Labcorp
Classification: Uncertain significance for Oligodontia-cancer predisposition syndrome. Last evaluated: 2025-09-01. Review status: criteria provided, single submitter. Criteria: Invitae Variant Classification Sherloc (09022015). Collection method: clinical testing. Allele origin: germline.
Comment: This sequence change replaces glutamine, which is neutral and polar, with glutamic acid, which is acidic and polar, at codon 420 of the AXIN2 protein (p.Gln420Glu). This variant is not present in population databases (gnomAD no frequency). This variant has not been reported in the literature in individuals affected with AXIN2-related conditions. ClinVar contains an entry for this variant (Variation ID: 533208). Invitae Evidence Modeling of protein sequence and biophysical properties (such as structural, functional, and spatial information, amino acid conservation, physicochemical variation, residue mobility, and thermodynamic stability) indicates that this missense variant is not expected to disrupt AXIN2 protein function with a negative predictive value of 80%. In summary, the available evidence is currently insufficient to determine the role of this variant in disease. Therefore, it has been classified as a Variant of Uncertain Significance.